The following is an entry in ClinVar:

NM_000365.6(TPI1):c.73C>T (p.Leu25Phe)

Gene: TPI1 (triosephosphate isomerase 1; plus strand). Cytogenetic location: 12p13.31.
Variant type: single nucleotide variant.
Coding change: c.73C>T on transcript NM_000365.6 (MANE Select); coding-DNA position 73, C replaced by T.
Protein change: p.Leu25Phe; replaces leucine 25 with phenylalanine.
Molecular consequence: missense variant.
Genome position (GRCh38, 1-based): chr12:6,867,639, C>T. VCF-style: chr12-6867639-C-T. GRCh37 (hg19) VCF-style: chr12-6976803-C-T.
Other names: c.184C>T, p.Leu62Phe (NM_001159287.1); short protein forms L25F, L62F.
Identifiers: ClinVar variation 2131414 (VCV002131414.4), dbSNP rs781846467, ClinGen allele CA383709097.

ClinVar aggregate classification (germline): Uncertain significance (1 of 4 stars; one submission).

Submission:

Labcorp Genetics (formerly Invitae), Labcorp
Classification: Uncertain significance. Last evaluated: 2022-05-23. Review status: criteria provided, single submitter. Criteria: Invitae Variant Classification Sherloc (09022015). Collection method: clinical testing. Allele origin: germline.
Comment: This variant is not present in population databases (gnomAD no frequency). In summary, the available evidence is currently insufficient to determine the role of this variant in disease. Therefore, it has been classified as a Variant of Uncertain Significance. Algorithms developed to predict the effect of missense changes on protein structure and function are either unavailable or do not agree on the potential impact of this missense change (SIFT: "Deleterious"; PolyPhen-2: "Probably Damaging"; Align-GVGD: "Class C0"). This variant has not been reported in the literature in individuals affected with TPI1-related conditions. This sequence change replaces leucine, which is neutral and non-polar, with phenylalanine, which is neutral and non-polar, at codon 25 of the TPI1 protein (p.Leu25Phe).